The following is an entry in ClinVar:

NM_001378778.1(MPDZ):c.2468C>T (p.Ala823Val)

Gene: MPDZ (multiple PDZ domain crumbs cell polarity complex component; minus strand). Cytogenetic location: 9p23.
Variant type: single nucleotide variant.
Coding change: c.2468C>T on transcript NM_001378778.1 (MANE Select); coding-DNA position 2468, C replaced by T.
Protein change: p.Ala823Val; replaces alanine 823 with valine.
Molecular consequence: missense variant.
Genome position (GRCh38, 1-based): chr9:13,186,283, G>A on the plus strand (C>T on the coding strand, the complement: MPDZ is on the minus strand). VCF-style: chr9-13186283-G-A. GRCh37 (hg19) VCF-style: chr9-13186282-G-A.
Other names: c.2468C>T, p.Ala823Val (NM_001261406.2, NM_001261407.2, NM_001330637.2 and 14 more transcripts); c.2468C>T (NM_003829.4); short protein forms A823V.
Identifiers: ClinVar variation 2080491 (VCV002080491.3), dbSNP rs1011920471, ClinGen allele CA189280529.

ClinVar aggregate classification (germline): Uncertain significance. Review status: criteria provided, multiple submitters, no conflicts (2 of 4 stars). 2 submissions from 2 submitters: Uncertain significance (2). Last evaluated 2024-02-24.

Allele frequency attached by ClinVar (database versions not stated): gnomAD exomes below 0.00001; gnomAD 0.00001; TOPMed 0.00002.
gnomAD v4.1: 4 of 1,586,282 alleles (0.00025%); highest among the groups gnomAD compares: African/African-American, 0.0013%; no homozygotes.

Submissions (2):

Labcorp Genetics (formerly Invitae), Labcorp
Classification: Uncertain significance. Last evaluated: 2024-02-24. Review status: criteria provided, single submitter. Criteria: Invitae Variant Classification Sherloc (09022015). Collection method: clinical testing. Allele origin: germline.
Comment: This sequence change replaces alanine, which is neutral and non-polar, with valine, which is neutral and non-polar, at codon 823 of the MPDZ protein (p.Ala823Val). The frequency data for this variant in the population databases is considered unreliable, as metrics indicate poor data quality at this position in the gnomAD database. This variant has not been reported in the literature in individuals affected with MPDZ-related conditions. ClinVar contains an entry for this variant (Variation ID: 2080491). An algorithm developed to predict the effect of missense changes on protein structure and function (PolyPhen-2) suggests that this variant is likely to be disruptive. In summary, the available evidence is currently insufficient to determine the role of this variant in disease. Therefore, it has been classified as a Variant of Uncertain Significance.

GeneDx
Classification: Uncertain significance. Last evaluated: 2022-12-14. Review status: criteria provided, single submitter. Criteria: GeneDx Variant Classification Process June 2021. Collection method: clinical testing. Allele origin: germline. Affected: yes.
Comment: In silico analysis supports that this missense variant does not alter protein structure/function; Has not been previously published as pathogenic or benign to our knowledge